The following is an entry in ClinVar:

ClinVar aggregate classification (germline): Uncertain significance. Review status: criteria provided, multiple submitters, no conflicts (2 of 4 stars). 2 submissions from 2 submitters: Uncertain significance (2). Last evaluated 2025-11-04.

Conditions:
Hyperkalemic periodic paralysis. Also called: Familial hyperkalemic periodic paralysis; Gamstorp disease. Identifiers: Orphanet 682, MedGen C0238357, MONDO:0008224, OMIM 170500, HP:0007215.
Congenital myopathy 22A, classic (CMYO22A). Identifiers: MedGen C5830453, MONDO:0957247, OMIM 620351.
Congenital myopathy 22B, severe fetal (CMYO22B). Identifiers: MedGen C5830501, MONDO:0957265, OMIM 620369.
Congenital myasthenic syndrome 16. Identifiers: Orphanet 590, MedGen C3280112, MONDO:0013620, OMIM 614198.
Hypokalemic periodic paralysis, type 2 (HOKPP2). Identifiers: Orphanet 681, MedGen C2750061, MONDO:0013234, OMIM 613345.
Paramyotonia congenita of Von Eulenburg. Also called: PARALYSIS PERIODICA PARAMYOTONICA; Paramyotonia Congenita; Eulenburg disease; Myotonia congenita intermittens; Von Eulenburg paramyotonia congenita. Identifiers: Orphanet 684, MedGen C0221055, MONDO:0008195, OMIM 168300. Disease mechanism: loss of function.
Potassium-aggravated myotonia. Also called: MYOTONIA CONGENITA, ACETAZOLAMIDE-RESPONSIVE; MYOTONIA CONGENITA, ATYPICAL; SODIUM CHANNEL MUSCLE DISEASE; Myotonia congenita, atypical, acetazolamide-responsive. Identifiers: Orphanet 612, Orphanet 99734, Orphanet 99735, Orphanet 99736, MedGen C2931826, MONDO:0018959, OMIM 608390.

Allele frequency attached by ClinVar (database versions not stated): TOPMed below 0.00001.
gnomAD v4.1: 67 of 1,613,750 alleles (0.0042%); highest among the groups gnomAD compares: Non-Finnish European, 0.0057%; no homozygotes.

Submissions (2):

Labcorp Genetics (formerly Invitae), Labcorp
Classification: Uncertain significance for Hyperkalemic periodic paralysis. Last evaluated: 2025-11-04. Review status: criteria provided, single submitter. Criteria: Invitae Variant Classification Sherloc (09022015). Collection method: clinical testing. Allele origin: germline.
Comment: This sequence change replaces threonine, which is neutral and polar, with asparagine, which is neutral and polar, at codon 169 of the SCN4A protein (p.Thr169Asn). This variant is present in population databases (no rsID available, gnomAD 0.003%). This variant has not been reported in the literature in individuals affected with SCN4A-related conditions. ClinVar contains an entry for this variant (Variation ID: 2708010). Invitae Evidence Modeling of protein sequence and biophysical properties (such as structural, functional, and spatial information, amino acid conservation, physicochemical variation, residue mobility, and thermodynamic stability) indicates that this missense variant is expected to disrupt SCN4A protein function with a positive predictive value of 95%. In summary, the available evidence is currently insufficient to determine the role of this variant in disease. Therefore, it has been classified as a Variant of Uncertain Significance.

Fulgent Genetics
Classification: Uncertain significance for Paramyotonia congenita of Von Eulenburg; Hyperkalemic periodic paralysis; Potassium-aggravated myotonia; Hypokalemic periodic paralysis, type 2; Congenital myasthenic syndrome 16; Congenital myopathy 22A, classic; Congenital myopathy 22B, severe fetal. Last evaluated: 2024-05-13. Review status: criteria provided, single submitter. Criteria: ACMG Guidelines, 2015. Collection method: clinical testing. Allele origin: germline.

NM_000334.4(SCN4A):c.506C>A (p.Thr169Asn)

Gene: SCN4A (sodium voltage-gated channel alpha subunit 4; minus strand). Cytogenetic location: 17q23.3.
Variant type: single nucleotide variant.
Coding change: c.506C>A on transcript NM_000334.4 (MANE Select); coding-DNA position 506, C replaced by A.
Protein change: p.Thr169Asn; replaces threonine 169 with asparagine.
Molecular consequence: missense variant.
Genome position (GRCh38, 1-based): chr17:63,971,827, G>T on the plus strand (C>A on the coding strand, the complement: SCN4A is on the minus strand). VCF-style: chr17-63971827-G-T. GRCh37 (hg19) VCF-style: chr17-62049187-G-T.
Other names: short protein forms T169N.
Identifiers: ClinVar variation 2708010 (VCV002708010.4), dbSNP rs1405112136, ClinGen allele CA400639263.